The following is an entry in ClinVar:

ClinVar aggregate classification (germline): Pathogenic (1 of 4 stars; one submission).

Conditions:
Coffin-Siris syndrome 12. Identifiers: MedGen C5444111, MONDO:0025699, OMIM 619325.

Submission:

Victorian Clinical Genetics Services, Murdoch Childrens Research Institute
Classification: Pathogenic for Coffin-Siris syndrome 12. Last evaluated: 2024-11-13. Review status: criteria provided, single submitter. Criteria: ACMG Guidelines, 2015. Collection method: clinical testing. Allele origin: germline. Affected: yes.
Comment: This variant is classified as Pathogenic. Evidence in support of pathogenic classification: Variant is predicted to cause nonsense-mediated decay (NMD) and loss of protein (premature termination codon is located at least 54 nucleotides upstream of the final exon-exon junction); Variant is present in gnomAD <0.001 for a dominant condition (v4: 1 heterozygote(s), 0 homozygote(s)); Other NMD-predicted variants comparable to the one identified in this case have very strong previous evidence for pathogenicity (DECIPHER); Additional information: This variant is heterozygous; This gene is associated with autosomal dominant disease; This variant has no previous evidence of pathogenicity; No published segregation evidence has been identified for this variant; No published functional evidence has been identified for this variant; Loss of function is a known mechanism of disease in this gene and is associated with Coffin-Siris syndrome 12 (MIM#619325).

NM_001394372.1(BICRA):c.706del (p.Gln236fs)

Gene: BICRA (BRD4 interacting chromatin remodeling complex associated protein; plus strand). Cytogenetic location: 19q13.33.
Variant type: Deletion.
Coding change: c.706del on transcript NM_001394372.1 (MANE Select); coding-DNA position 706, one base deleted (C; older notation c.706delC).
Protein change: p.Gln236fs; shifts the reading frame from glutamine 236.
Molecular consequence: frameshift variant.
Genome position (GRCh38, 1-based): chr19:47,679,876, C deleted; the last of 2 consecutive C bases (chr19:47,679,875-47,679,876); deleting either gives the same sequence. VCF-style (leftmost placement, unchanged base first): chr19-47679874-TC-T. GRCh37 (hg19) VCF-style: chr19-48183131-TC-T.
Other names: c.706del, p.Gln236fs (NM_015711.3); short protein forms Q236fs.
Identifiers: ClinVar variation 4531728 (VCV004531728.1).
Genomic context (GRCh38, chr19:47,679,874, plus strand): 5'-AAGGCCTGCCCAATGGCAGCCCTGGGGGTGCCACGGCGGCCACACTGGGCCTGGCGCCCA[TC>T]CAGGTGGTGGGCCAGCCCGTCATGGCGCTCAACACGCCCACCTCCCAGCTCCTGGCCAAG-3'